The following is an entry in ClinVar:

NM_019066.5(MAGEL2):c.3612C>G (p.Leu1204=)

Gene: MAGEL2 (MAGE family member L2; minus strand). Cytogenetic location: 15q11.2.
Variant type: single nucleotide variant.
Coding change: c.3612C>G on transcript NM_019066.5 (MANE Select); coding-DNA position 3612, C replaced by G.
Protein change: p.Leu1204=; no amino-acid change (leucine 1204 retained).
Molecular consequence: synonymous variant.
Genome position (GRCh38, 1-based): chr15:23,644,131, G>C on the plus strand (C>G on the coding strand, the complement: MAGEL2 is on the minus strand). VCF-style: chr15-23644131-G-C. GRCh37 (hg19) VCF-style: chr15-23889278-G-C.
Identifiers: ClinVar variation 2188053 (VCV002188053.7), dbSNP rs768727349, ClinGen allele CA7429676.
Genomic context (GRCh38, chr15:23,644,131, plus strand): 5'-CTCACACTCTGCGAGCGCTTCAAGGTAATGGAATGGCCAGCTCTGTGGATCTTTCTTATG[G>C]AGCTTGGCCAAAAACCTCAGGACAAGCATCTTGCTGGTTTCCAGGAATGCTCGAGGGCCC-3'
Protein context (NP_061939.3, residues 1194-1214): KMLVLRFLAK[Leu1204=]HKKDPQSWPF

ClinVar aggregate classification (germline): Likely benign. Review status: criteria provided, multiple submitters, no conflicts (2 of 4 stars). 3 submissions from 3 submitters: Likely benign (3). Last evaluated 2026-04-01.

Allele frequency attached by ClinVar (database versions not stated): ExAC 0.00003; gnomAD 0.00005; TOPMed 0.00006; gnomAD exomes 0.00009.
gnomAD v4.1: 134 of 1,613,818 alleles (0.0083%); highest among the groups gnomAD compares: Admixed American, 0.013%; no homozygotes.

Submissions (3):

CeGaT Center for Human Genetics Tuebingen
Classification: Likely benign. Last evaluated: 2026-04-01. Review status: criteria provided, single submitter. Criteria: CeGaT Center For Human Genetics Tuebingen Variant Classification Criteria Version 2. Collection method: clinical testing. Allele origin: germline. Affected: yes. Observed: 1 variant allele.
Comment: MAGEL2: BP4, BP7

Women's Health and Genetics/Laboratory Corporation of America, LabCorp
Classification: Likely benign. Last evaluated: 2024-12-09. Review status: criteria provided, single submitter. Criteria: LabCorp Variant Classification Summary - May 2015. Collection method: clinical testing. Allele origin: germline.

Labcorp Genetics (formerly Invitae), Labcorp
Classification: Likely benign. Last evaluated: 2024-02-17. Review status: criteria provided, single submitter. Criteria: Invitae Variant Classification Sherloc (09022015). Collection method: clinical testing. Allele origin: germline.